The following is an entry in ClinVar:

NM_014989.7(RIMS1):c.2354A>T (p.Tyr785Phe)

Gene: RIMS1 (regulating synaptic membrane exocytosis 1; plus strand). Cytogenetic location: 6q13.
Variant type: single nucleotide variant.
Coding change: c.2354A>T on transcript NM_014989.7 (MANE Select); coding-DNA position 2354, A replaced by T.
Protein change: p.Tyr785Phe; replaces tyrosine 785 with phenylalanine.
Molecular consequence: missense variant.
Genome position (GRCh38, 1-based): chr6:72,250,442, A>T. VCF-style: chr6-72250442-A-T. GRCh37 (hg19) VCF-style: chr6-72960145-A-T.
Other names: c.776A>T, p.Tyr259Phe (NM_001168407.2, NM_001168408.2, NM_001350414.2 and 37 more transcripts); c.533A>T, p.Tyr178Phe (NM_001168409.2, NM_001350466.2, NM_001350467.2 and 6 more transcripts); c.731A>T, p.Tyr244Phe (NM_001168410.2, NM_001350470.2, NM_001350472.2 and 2 more transcripts); c.707A>T, p.Tyr236Phe (NM_001350421.2, NM_001350424.2, NM_001350428.2 and 6 more transcripts); short protein forms Y236F, Y244F, Y259F, Y178F, Y785F.
Identifiers: ClinVar variation 1378074 (VCV001378074.6), dbSNP rs2154134384, ClinGen allele CA364678649.

ClinVar aggregate classification (germline): Uncertain significance (1 of 4 stars; one submission).

Submission:

Labcorp Genetics (formerly Invitae), Labcorp
Classification: Uncertain significance. Last evaluated: 2023-08-30. Review status: criteria provided, single submitter. Criteria: Invitae Variant Classification Sherloc (09022015). Collection method: clinical testing. Allele origin: germline.
Comment: An algorithm developed to predict the effect of missense changes on protein structure and function (PolyPhen-2) suggests that this variant is likely to be disruptive. In summary, the available evidence is currently insufficient to determine the role of this variant in disease. Therefore, it has been classified as a Variant of Uncertain Significance. ClinVar contains an entry for this variant (Variation ID: 1378074). This variant has not been reported in the literature in individuals affected with RIMS1-related conditions. This variant is not present in population databases (gnomAD no frequency). This sequence change replaces tyrosine, which is neutral and polar, with phenylalanine, which is neutral and non-polar, at codon 785 of the RIMS1 protein (p.Tyr785Phe).